The following is an entry in ClinVar:

ClinVar aggregate classification (germline): Uncertain significance (1 of 4 stars; one submission).

Allele frequency attached by ClinVar (database versions not stated): gnomAD exomes below 0.00001.
gnomAD v4.1: 2 of 1,614,212 alleles (0.00012%); highest among the groups gnomAD compares: East Asian, 0.0022%; no homozygotes.

Submission:

Labcorp Genetics (formerly Invitae), Labcorp
Classification: Uncertain significance. Last evaluated: 2022-09-13. Review status: criteria provided, single submitter. Criteria: Invitae Variant Classification Sherloc (09022015). Collection method: clinical testing. Allele origin: germline.
Comment: This sequence change affects codon 447 of the JAK1 mRNA. It is a 'silent' change, meaning that it does not change the encoded amino acid sequence of the JAK1 protein. This variant is present in population databases (no rsID available, gnomAD 0.006%). This variant has not been reported in the literature in individuals affected with JAK1-related conditions. Algorithms developed to predict the effect of sequence changes on RNA splicing suggest that this variant may disrupt the consensus splice site. In summary, the available evidence is currently insufficient to determine the role of this variant in disease. Therefore, it has been classified as a Variant of Uncertain Significance.

NM_002227.4(JAK1):c.1341A>G (p.Glu447=)

Gene: JAK1 (Janus kinase 1; minus strand). Cytogenetic location: 1p31.3.
Variant type: single nucleotide variant.
Coding change: c.1341A>G on transcript NM_002227.4 (MANE Select); coding-DNA position 1341, A replaced by G.
Protein change: p.Glu447=; no amino-acid change (glutamic acid 447 retained).
Molecular consequence: synonymous variant.
Genome position (GRCh38, 1-based): chr1:64,857,773, T>C on the plus strand (A>G on the coding strand, the complement: JAK1 is on the minus strand). VCF-style: chr1-64857773-T-C. GRCh37 (hg19) VCF-style: chr1-65323456-T-C.
Other names: c.1341A>G, p.Glu447= (NM_001320923.2, NM_001321852.2, NM_001321853.2 and 4 more transcripts).
Identifiers: ClinVar variation 1970370 (VCV001970370.5), dbSNP rs1251366811, ClinGen allele CA418216980.